The following is an entry in ClinVar:

NM_018136.5(ASPM):c.1801del (p.Arg601fs)

Gene: ASPM (assembly factor for spindle microtubules; minus strand). Cytogenetic location: 1q31.3.
Variant type: Deletion.
Coding change: c.1801del on transcript NM_018136.5 (MANE Select); coding-DNA position 1801, one base deleted (A; older notation c.1801delA).
Protein change: p.Arg601fs; shifts the reading frame from arginine 601.
Molecular consequence: frameshift variant.
Genome position (GRCh38, 1-based): chr1:197,142,451, T deleted on the plus strand (A on the coding strand, the reverse complement: ASPM is on the minus strand); the first of 4 consecutive T bases (chr1:197,142,451-197,142,454); deleting any one gives the same sequence. VCF-style (leftmost placement, unchanged base first): chr1-197142450-CT-C. GRCh37 (hg19) VCF-style: chr1-197111580-CT-C.
Other names: c.1801del, p.Arg601fs (NM_001206846.2); short protein forms R601fs.
Identifiers: ClinVar variation 1385962 (VCV001385962.6), dbSNP rs2125113678, ClinGen allele CA2573131462.

ClinVar aggregate classification (germline): Pathogenic (1 of 4 stars; one submission).

Submission:

Labcorp Genetics (formerly Invitae), Labcorp
Classification: Pathogenic. Last evaluated: 2022-11-08. Review status: criteria provided, single submitter. Criteria: Invitae Variant Classification Sherloc (09022015). Collection method: clinical testing. Allele origin: germline.
Comment: This sequence change creates a premature translational stop signal (p.Arg601Glufs*20) in the ASPM gene. It is expected to result in an absent or disrupted protein product. Loss-of-function variants in ASPM are known to be pathogenic (PMID: 19028728, 23611254). This variant is not present in population databases (gnomAD no frequency). For these reasons, this variant has been classified as Pathogenic. ClinVar contains an entry for this variant (Variation ID: 1385962). This variant has not been reported in the literature in individuals affected with ASPM-related conditions.

Literature cited by the submitters: PubMed 19028728; PubMed 23611254.